The following is an entry in ClinVar:

NM_000257.4(MYH7):c.698C>T (p.Ala233Val)

Gene: MYH7 (myosin heavy chain 7; minus strand). Cytogenetic location: 14q11.2.
Variant type: single nucleotide variant.
Coding change: c.698C>T on transcript NM_000257.4 (MANE Select); coding-DNA position 698, C replaced by T.
Protein change: p.Ala233Val; replaces alanine 233 with valine.
Molecular consequence: missense variant.
Genome position (GRCh38, 1-based): chr14:23,431,619, G>A on the plus strand (C>T on the coding strand, the complement: MYH7 is on the minus strand). VCF-style: chr14-23431619-G-A. GRCh37 (hg19) VCF-style: chr14-23900828-G-A.
Other names: short protein forms A233V.
Identifiers: ClinVar variation 177858 (VCV000177858.14), dbSNP rs727504362, ClinGen allele CA016639.
Genomic context (GRCh38, chr14:23,431,619, plus strand): 5'-CAAGGCCAAGGTCAGGGACCACTCACGAAGCGGGAGGAGTTGTCGTTCCGGACGGTCTTG[G>A]CATTGCCAAAGGCCTCCAGAGCAGGGTTGGCCTGGATGATCTGGTCCTCCAGGGTGCCCT-3'
Protein context (NP_000248.2, residues 223-243): ANPALEAFGN[Ala233Val]KTVRNDNSSR

ClinVar aggregate classification (germline): Uncertain significance. Review status: criteria provided, multiple submitters, no conflicts (2 of 4 stars). 5 submissions from 5 submitters: Uncertain significance (4). 1 of the submissions does not count toward it. Last evaluated 2025-08-09.

Conditions:
Cardiovascular phenotype. Identifiers: MedGen CN230736.
Hypertrophic cardiomyopathy. Also called: HYPERTROPHIC MYOCARDIOPATHY. Identifiers: Orphanet 217569, MedGen C0007194, MeSH D002312, MONDO:0005045, HP:0001639.

Allele frequency attached by ClinVar (database versions not stated): gnomAD exomes below 0.00001.
gnomAD v4.1: 1 of 1,614,280 alleles (0.000062%); highest among the groups gnomAD compares: African/African-American, 0.0013%; no homozygotes.

Submissions (5):

Labcorp Genetics (formerly Invitae), Labcorp
Classification: Uncertain significance for Hypertrophic cardiomyopathy. Last evaluated: 2025-08-09. Review status: criteria provided, single submitter. Criteria: Invitae Variant Classification Sherloc (09022015). Collection method: clinical testing. Allele origin: germline.
Comment: This sequence change replaces alanine, which is neutral and non-polar, with valine, which is neutral and non-polar, at codon 233 of the MYH7 protein (p.Ala233Val). This variant is not present in population databases (gnomAD no frequency). This missense change has been observed in individual(s) with left ventricular noncompaction (PMID: 33500567). ClinVar contains an entry for this variant (Variation ID: 177858). Invitae Evidence Modeling of protein sequence and biophysical properties (such as structural, functional, and spatial information, amino acid conservation, physicochemical variation, residue mobility, and thermodynamic stability) indicates that this missense variant is expected to disrupt MYH7 protein function with a positive predictive value of 95%. In summary, the available evidence is currently insufficient to determine the role of this variant in disease. Therefore, it has been classified as a Variant of Uncertain Significance.

Ambry Genetics
Classification: Uncertain significance for Cardiovascular phenotype. Last evaluated: 2021-04-21. Review status: criteria provided, single submitter. Criteria: Ambry Variant Classification Scheme 2023. Collection method: clinical testing. Allele origin: germline.
Comment: The p.A233V variant (also known as c.698C>T), located in coding exon 6 of the MYH7 gene, results from a C to T substitution at nucleotide position 698. The alanine at codon 233 is replaced by valine, an amino acid with similar properties. This alteration is located in the myosin head domain, which contains a statistically significant clustering of pathogenic missense variants (Homburger JR et al. Proc Natl Acad Sci U S A, 2016 06;113:6701-6; Walsh R et al. Genet Med, 2017 02;19:192-203; Ambry internal data). Another alteration at the same amino acid position, p.A233S, has been reported in individuals with hypertrophic cardiomyopathy (HCM) (Homburger JR et al. Proc Natl Acad Sci U S A, 2016 06;113:6701-6).This amino acid position is highly conserved in available vertebrate species. In addition, this alteration is predicted to be deleterious by in silico analysis. Since supporting evidence is limited at this time, the clinical significance of this alteration remains unclear.

Stanford Center for Inherited Cardiovascular Disease, Stanford University
Classification: Uncertain significance. Last evaluated: 2017-10-11. Review status: criteria provided, single submitter. Criteria: ACMG Guidelines, 2015. Collection method: provider interpretation. Allele origin: germline.

GeneDx
Classification: Uncertain significance. Last evaluated: 2015-10-14. Review status: criteria provided, single submitter. Criteria: GeneDx Variant Classification (06012015). Collection method: clinical testing. Allele origin: germline. Affected: yes.
Comment: This variant was not observed in approximately 6,500 individuals of European and African American ancestry in the NHLBI Exome Sequencing Project, indicating it is not a common benign variant in these populations. Missense variants in nearby residues (A223T, L227V, N232S, T235N, V236I, D239N, R243C, R243H) including a different missense variant at the same residue (A233S) have been reported in HGMD in association with cardiomyopathy (Stenson et al., 2014), supporting the functional importance of this residue and region of the protein. This substitution occurs at a position that is conserved across species. However, the A233V variant is a conservative amino acid substitution, which is not likely to impact secondary protein structure as these residues share similar properties. Furthermore, in silico analysis is inconsistent in its predictions as to whether or not the variant is damaging to the protein structure/function.

Laboratory for Molecular Medicine, Mass General Brigham Personalized Medicine
Classification: Uncertain significance. Last evaluated: 2014-01-17. Review status: no assertion criteria provided. Collection method: clinical testing. Allele origin: germline. Observed: 1 variant allele. Not counted in ClinVar's aggregate classification.
Comment: proposed classification - variant undergoing re-assessment, contact laboratory

Literature cited by the submitters: PubMed 33500567 (cited by Labcorp Genetics (formerly Invitae), Labcorp); PubMed 16858239 (cited by Laboratory for Molecular Medicine, Mass General Brigham Personalized Medicine).